The following is an entry in ClinVar:

NM_024669.3(ANKRD55):c.835G>A (p.Glu279Lys)

Gene: ANKRD55 (ankyrin repeat domain 55; minus strand). Cytogenetic location: 5q11.2.
Variant type: single nucleotide variant.
Coding change: c.835G>A on transcript NM_024669.3 (MANE Select); coding-DNA position 835, G replaced by A.
Protein change: p.Glu279Lys; replaces glutamic acid 279 with lysine.
Molecular consequence: missense variant.
Genome position (GRCh38, 1-based): chr5:56,116,745, C>T on the plus strand (G>A on the coding strand, the complement: ANKRD55 is on the minus strand). VCF-style: chr5-56116745-C-T. GRCh37 (hg19) VCF-style: chr5-55412572-C-T.
Other names: short protein forms E279K.
Identifiers: ClinVar variation 785800 (VCV000785800.20), dbSNP rs146546015, ClinGen allele CA3272087.

ClinVar aggregate classification (germline): Benign/Likely benign. Review status: criteria provided, multiple submitters, no conflicts (2 of 4 stars). 3 submissions from 3 submitters: Benign (2); Likely benign (1). Last evaluated 2025-02-01.

Allele frequency attached by ClinVar (database versions not stated): 1000 Genomes Project 30x 0.00312; 1000 Genomes Project 0.00359; TOPMed 0.00702; ESP Exome Variant Server 0.00800; gnomAD 0.00807 and 0.00850; ExAC 0.00810; gnomAD exomes 0.00837.
gnomAD v4.1: 14,567 of 1,613,448 alleles (0.9%); highest among the groups gnomAD compares: Non-Finnish European, 0.94%; 91 homozygotes.

Submissions (3):

CeGaT Center for Human Genetics Tuebingen
Classification: Likely benign. Last evaluated: 2025-02-01. Review status: criteria provided, single submitter. Criteria: CeGaT Center For Human Genetics Tuebingen Variant Classification Criteria Version 2. Collection method: clinical testing. Allele origin: germline. Affected: yes. Observed: 5 variant alleles.
Comment: ANKRD55: BS2

Labcorp Genetics (formerly Invitae), Labcorp
Classification: Benign. Last evaluated: 2019-12-31. Review status: criteria provided, single submitter. Criteria: Invitae Variant Classification Sherloc (09022015). Collection method: clinical testing. Allele origin: germline.

Breakthrough Genomics
Classification: Benign. Review status: criteria provided, single submitter. Criteria: ACMG Guidelines, 2015. Collection method: not provided. Allele origin: germline. Inheritance: Unknown mechanism. Affected: yes.